The following is an entry in ClinVar:

NM_005573.4(LMNB1):c.313A>C (p.Ile105Leu)

Gene: LMNB1 (lamin B1; plus strand). Cytogenetic location: 5q23.2.
Variant type: single nucleotide variant.
Coding change: c.313A>C on transcript NM_005573.4 (MANE Select); coding-DNA position 313, A replaced by C.
Protein change: p.Ile105Leu; replaces isoleucine 105 with leucine.
Molecular consequence: missense variant. On other transcripts: non-coding transcript variant (1), intron variant (1).
Genome position (GRCh38, 1-based): chr5:126,777,821, A>C. VCF-style: chr5-126777821-A-C. GRCh37 (hg19) VCF-style: chr5-126113513-A-C.
Other names: c.-272+577A>C (NM_001198557.2); short protein forms I105L.
Identifiers: ClinVar variation 1511383 (VCV001511383.8), dbSNP rs2112912247, ClinGen allele CA360725972.
Genomic context (GRCh38, chr5:126,777,821, plus strand): 5'-GAGCTGGCCGACGCGCGACGCGCGCTCGACGACACGGCCCGCGAGCGCGCCAAGCTGCAG[A>C]TCGAGCTGGGCAAGTGCAAGGCGGAACACGACCAGCTGCTCCTCAAGTGAGTGCTAGCTG-3'
Protein context (NP_005564.1, residues 95-115): DTARERAKLQ[Ile105Leu]ELGKCKAEHD

ClinVar aggregate classification (germline): Uncertain significance (1 of 4 stars; one submission).

gnomAD v4.1: 2 of 1,484,362 alleles (0.00013%); no homozygotes.

Submission:

Labcorp Genetics (formerly Invitae), Labcorp
Classification: Uncertain significance. Last evaluated: 2024-03-16. Review status: criteria provided, single submitter. Criteria: Invitae Variant Classification Sherloc (09022015). Collection method: clinical testing. Allele origin: germline.
Comment: This sequence change replaces isoleucine, which is neutral and non-polar, with leucine, which is neutral and non-polar, at codon 105 of the LMNB1 protein (p.Ile105Leu). This variant is not present in population databases (gnomAD no frequency). This variant has not been reported in the literature in individuals affected with LMNB1-related conditions. ClinVar contains an entry for this variant (Variation ID: 1511383). Advanced modeling of protein sequence and biophysical properties (such as structural, functional, and spatial information, amino acid conservation, physicochemical variation, residue mobility, and thermodynamic stability) performed at Invitae indicates that this missense variant is not expected to disrupt LMNB1 protein function with a negative predictive value of 80%. In summary, the available evidence is currently insufficient to determine the role of this variant in disease. Therefore, it has been classified as a Variant of Uncertain Significance.